The following is an entry in ClinVar:

ClinVar aggregate classification (germline): Uncertain significance (1 of 4 stars; one submission).

Conditions:
Marfan syndrome (MFS). Also called: MARFAN SYNDROME, TYPE I; Marfan syndrome type 1; Marfan's syndrome; FBN1-Related Marfan Syndrome; Marfan syndrome, classic. Identifiers: Orphanet 284963, Orphanet 558, MedGen C0024796, MONDO:0007947, OMIM 154700.

Submission:

All of Us Research Program, National Institutes of Health
Classification: Uncertain significance for Marfan syndrome. Last evaluated: 2024-06-09. Review status: criteria provided, single submitter. Criteria: ACMG Guidelines, 2015. Collection method: clinical testing. Allele origin: germline. Inheritance: Autosomal dominant inheritance. Observed: 1 variant allele, 1 heterozygote.
Comment: This missense variant replaces serine with cysteine at codon 2755 of the FBN1 protein. Computational prediction tools indicate that this variant has a deleterious impact on protein structure and function. To our knowledge, functional studies have not been reported for this variant. This variant has not been reported in individuals affected with FBN1-related disorders in the literature. This variant has not been identified in the general population by the Genome Aggregation Database (gnomAD). The available evidence is insufficient to determine the role of this variant in disease conclusively. Therefore, this variant is classified as a Variant of Uncertain Significance.

This study involves interpretation of variants in research participants for the purpose of population health screening. Participant phenotype was not available at the time of variant classification. Additional details can be found in publication PMID: 35346344, PMCID: PMC8962531

NM_000138.5(FBN1):c.8263A>T (p.Ser2755Cys)

Gene: FBN1 (fibrillin 1; minus strand). Cytogenetic location: 15q21.1.
Variant type: single nucleotide variant.
Coding change: c.8263A>T on transcript NM_000138.5 (MANE Select); coding-DNA position 8263, A replaced by T.
Protein change: p.Ser2755Cys; replaces serine 2755 with cysteine.
Molecular consequence: missense variant.
Genome position (GRCh38, 1-based): chr15:48,411,343, T>A on the plus strand (A>T on the coding strand, the complement: FBN1 is on the minus strand). VCF-style: chr15-48411343-T-A. GRCh37 (hg19) VCF-style: chr15-48703540-T-A.
Other names: c.8263A>T, p.Ser2755Cys (NM_001406716.1); short protein forms S2755C.
Identifiers: ClinVar variation 3386747 (VCV003386747.1).
Genomic context (GRCh38, chr15:48,411,343, plus strand): 5'-CCTTGTTACTGACGTGGGAAATATTGAAAGCAAAGATGGCTGTCTTCTCAACATCCCAAC[T>A]TGCAAGACTCACATTGGCTTCTGTCTCAGACTGATCCTGGAAAGACACATGGCAATATGT-3'
Protein context (NP_000129.3, residues 2745-2765): SETEANVSLA[Ser2755Cys]WDVEKTAIFA